The following is an entry in ClinVar:

ClinVar aggregate classification (germline): Uncertain significance. Review status: criteria provided, multiple submitters, no conflicts (2 of 4 stars). 2 submissions from 2 submitters: Uncertain significance (2). Last evaluated 2021-01-18.

Conditions:
Inborn genetic diseases. Identifiers: MedGen C0950123, MeSH D030342.

Allele frequency attached by ClinVar (database versions not stated): TOPMed below 0.00001.

Submissions (2):

Blueprint Genetics
Classification: Uncertain significance. Last evaluated: 2021-01-18. Review status: criteria provided, single submitter. Criteria: ACMG Guidelines, 2015. Collection method: clinical testing. Allele origin: germline.

Ambry Genetics
Classification: Uncertain significance for Inborn genetic diseases. Last evaluated: 2017-12-06. Review status: criteria provided, single submitter. Criteria: Ambry Variant Classification Scheme 2023. Collection method: clinical testing. Allele origin: germline.
Comment: The p.E348D variant (also known as c.1044G>C), located in coding exon 12 of the ATP13A2 gene, results from a G to C substitution at nucleotide position 1044. The glutamic acid at codon 348 is replaced by aspartic acid, an amino acid with highly similar properties. This amino acid position is highly conserved in available vertebrate species. In addition, this alteration is predicted to be deleterious by in silico analysis. Since supporting evidence is limited at this time, the clinical significance of this alteration remains unclear.

NM_022089.4(ATP13A2):c.1044G>C (p.Glu348Asp)

Gene: ATP13A2 (ATPase cation transporting 13A2; minus strand). Cytogenetic location: 1p36.13.
Variant type: single nucleotide variant.
Coding change: c.1044G>C on transcript NM_022089.4 (MANE Select); coding-DNA position 1044, G replaced by C.
Protein change: p.Glu348Asp; replaces glutamic acid 348 with aspartic acid.
Molecular consequence: missense variant.
Genome position (GRCh38, 1-based): chr1:16,997,171, C>G on the plus strand (G>C on the coding strand, the complement: ATP13A2 is on the minus strand). VCF-style: chr1-16997171-C-G. GRCh37 (hg19) VCF-style: chr1-17323666-C-G.
Other names: c.1029G>C, p.Glu343Asp (NM_001141973.3, NM_001141974.3); short protein forms E343D, E348D.
Identifiers: ClinVar variation 1775060 (VCV001775060.3), dbSNP rs1411992846, ClinGen allele CA338255379.